The following is an entry in ClinVar:

NM_014003.4(DHX38):c.895G>A (p.Glu299Lys)

Gene: DHX38 (DEAH-box helicase 38; plus strand). Cytogenetic location: 16q22.2.
Variant type: single nucleotide variant.
Coding change: c.895G>A on transcript NM_014003.4 (MANE Select); coding-DNA position 895, G replaced by A.
Protein change: p.Glu299Lys; replaces glutamic acid 299 with lysine.
Molecular consequence: missense variant.
Genome position (GRCh38, 1-based): chr16:72,099,215, G>A. VCF-style: chr16-72099215-G-A. GRCh37 (hg19) VCF-style: chr16-72133114-G-A.
Other names: short protein forms E299K.
Identifiers: ClinVar variation 3664504 (VCV003664504.2).

ClinVar aggregate classification (germline): Uncertain significance (1 of 4 stars; one submission).

Submission:

Labcorp Genetics (formerly Invitae), Labcorp
Classification: Uncertain significance. Last evaluated: 2024-09-04. Review status: criteria provided, single submitter. Criteria: Invitae Variant Classification Sherloc (09022015). Collection method: clinical testing. Allele origin: germline.
Comment: This sequence change replaces glutamic acid, which is acidic and polar, with lysine, which is basic and polar, at codon 299 of the DHX38 protein (p.Glu299Lys). This variant is not present in population databases (gnomAD no frequency). This variant has not been reported in the literature in individuals affected with DHX38-related conditions. Invitae Evidence Modeling of protein sequence and biophysical properties (such as structural, functional, and spatial information, amino acid conservation, physicochemical variation, residue mobility, and thermodynamic stability) indicates that this missense variant is not expected to disrupt DHX38 protein function with a negative predictive value of 80%. In summary, the available evidence is currently insufficient to determine the role of this variant in disease. Therefore, it has been classified as a Variant of Uncertain Significance.